The following is an entry in ClinVar:

NM_000038.6(APC):c.1862C>G (p.Thr621Ser)

Gene: APC (APC regulator of Wnt signaling pathway; plus strand). Cytogenetic location: 5q22.2.
Variant type: single nucleotide variant.
Coding change: c.1862C>G on transcript NM_000038.6 (MANE Select); coding-DNA position 1862, C replaced by G.
Protein change: p.Thr621Ser; replaces threonine 621 with serine.
Molecular consequence: missense variant.
Genome position (GRCh38, 1-based): chr5:112,835,069, C>G. VCF-style: chr5-112835069-C-G. GRCh37 (hg19) VCF-style: chr5-112170766-C-G.
Other names: c.1862C>G, p.Thr621Ser (NM_001127510.3, NM_001354895.2); c.1808C>G, p.Thr603Ser (NM_001127511.3); c.1916C>G, p.Thr639Ser (NM_001354896.2); c.1892C>G, p.Thr631Ser (NM_001354897.2); c.1787C>G, p.Thr596Ser (NM_001354898.2); c.1778C>G, p.Thr593Ser (NM_001354899.2); c.1739C>G, p.Thr580Ser (NM_001354900.2); c.1685C>G, p.Thr562Ser (NM_001354901.2); and 5 more; short protein forms T593S, T596S, T639S, T461S, T495S, T520S, T562S, T580S.
Identifiers: ClinVar variation 923003 (VCV000923003.14), dbSNP rs1554083178, ClinGen allele CA16025394.

ClinVar aggregate classification (germline): Uncertain significance. Review status: criteria provided, multiple submitters, no conflicts (2 of 4 stars). 3 submissions from 3 submitters: Uncertain significance (3). Last evaluated 2024-01-16.

Conditions:
Hereditary cancer-predisposing syndrome. Also called: Neoplastic Syndromes, Hereditary; Tumor predisposition; Hereditary Cancer Syndrome; Hereditary neoplastic syndrome. Identifiers: Orphanet 140162, MedGen C0027672, MeSH D009386, MONDO:0015356.
Familial adenomatous polyposis 1 (FAP1). Also called: FAMILIAL ADENOMATOUS POLYPOSIS 1, ATTENUATED; POLYPOSIS, ADENOMATOUS INTESTINAL. Identifiers: MedGen C2713442, MONDO:0021056, OMIM 175100. Disease mechanism: loss of function.

Allele frequency attached by ClinVar (database versions not stated): gnomAD exomes below 0.00001.
gnomAD v4.1: 2 of 1,614,134 alleles (0.00012%); highest among the groups gnomAD compares: Non-Finnish European, 0.00017%; no homozygotes.

Submissions (3):

Ambry Genetics
Classification: Uncertain significance for Hereditary cancer-predisposing syndrome. Last evaluated: 2024-01-16. Review status: criteria provided, single submitter. Criteria: Ambry Variant Classification Scheme 2023. Collection method: clinical testing. Allele origin: germline.
Comment: The p.T621S variant (also known as c.1862C>G), located in coding exon 14 of the APC gene, results from a C to G substitution at nucleotide position 1862. The threonine at codon 621 is replaced by serine, an amino acid with similar properties. This amino acid position is conserved. In addition, in silico predictors for this gene do not accurately predict pathogenicity. Since supporting evidence is limited at this time, the clinical significance of this alteration remains unclear.

Color Diagnostics, LLC DBA Color Health
Classification: Uncertain significance for Hereditary cancer-predisposing syndrome. Last evaluated: 2023-12-05. Review status: criteria provided, single submitter. Criteria: ACMG Guidelines, 2015. Collection method: clinical testing. Allele origin: germline.
Comment: This missense variant replaces threonine with serine at codon 621 of the APC protein. Computational prediction tools and conservation analyses are inconclusive regarding the impact of this variant on the protein function. Computational splicing tools suggest that this variant may not impact RNA splicing. To our knowledge, functional assays have not been performed for this variant nor has this variant been reported in individuals affected with hereditary cancer in the literature. This variant has not been identified in the general population by the Genome Aggregation Database (gnomAD). Available evidence is insufficient to determine the role of this variant in disease conclusively. Therefore, this variant is classified as a Variant of Uncertain Significance.

Labcorp Genetics (formerly Invitae), Labcorp
Classification: Uncertain significance for Familial adenomatous polyposis 1. Last evaluated: 2021-01-29. Review status: criteria provided, single submitter. Criteria: Invitae Variant Classification Sherloc (09022015). Collection method: clinical testing. Allele origin: germline.
Comment: In summary, the available evidence is currently insufficient to determine the role of this variant in disease. Therefore, it has been classified as a Variant of Uncertain Significance. Algorithms developed to predict the effect of sequence changes on RNA splicing suggest that this variant may create or strengthen a splice site, but this prediction has not been confirmed by published transcriptional studies. Algorithms developed to predict the effect of missense changes on protein structure and function (SIFT, PolyPhen-2, Align-GVGD) all suggest that this variant is likely to be tolerated, but these predictions have not been confirmed by published functional studies and their clinical significance is uncertain. This variant has not been reported in the literature in individuals with APC-related conditions. ClinVar contains an entry for this variant (Variation ID: 923003). This variant is not present in population databases (ExAC no frequency). This sequence change replaces threonine with serine at codon 621 of the APC protein (p.Thr621Ser). The threonine residue is highly conserved and there is a small physicochemical difference between threonine and serine.